The following is an entry in ClinVar:

NM_002878.4(RAD51D):c.705G>T (p.Lys235Asn)

Genes: RAD51D (RAD51 paralog D; minus strand), RAD51L3-RFFL (RAD51L3-RFFL readthrough; minus strand). Cytogenetic location: 17q12.
Variant type: single nucleotide variant.
Coding change: c.705G>T on transcript NM_002878.4 (MANE Select); coding-DNA position 705, G replaced by T.
Protein change: p.Lys235Asn; replaces lysine 235 with asparagine.
Molecular consequence: missense variant. On other transcripts: non-coding transcript variant (3).
Genome position (GRCh38, 1-based): chr17:35,103,287, C>A on the plus strand (G>T on the coding strand, the complement: RAD51D is on the minus strand). VCF-style: chr17-35103287-C-A. GRCh37 (hg19) VCF-style: chr17-33430306-C-A.
Other names: c.765G>T, p.Lys255Asn (NM_001142571.2); c.369G>T, p.Lys123Asn (NM_133629.3); short protein forms K123N, K235N, K255N.
Identifiers: ClinVar variation 1483803 (VCV001483803.8), dbSNP rs2142418419, ClinGen allele CA399087597.

ClinVar aggregate classification (germline): Uncertain significance (1 of 4 stars; one submission).

Conditions:
Breast-ovarian cancer, familial, susceptibility to, 4. Identifiers: Orphanet 145, MedGen C3280345, MONDO:0013669, OMIM 614291.

Submission:

Labcorp Genetics (formerly Invitae), Labcorp
Classification: Uncertain significance for Breast-ovarian cancer, familial, susceptibility to, 4. Last evaluated: 2021-04-18. Review status: criteria provided, single submitter. Criteria: Invitae Variant Classification Sherloc (09022015). Collection method: clinical testing. Allele origin: germline.
Comment: In summary, the available evidence is currently insufficient to determine the role of this variant in disease. Therefore, it has been classified as a Variant of Uncertain Significance. Algorithms developed to predict the effect of missense changes on protein structure and function are either unavailable or do not agree on the potential impact of this missense change (SIFT: "Tolerated"; PolyPhen-2: "Possibly Damaging"; Align-GVGD: "Class C0"). This variant has not been reported in the literature in individuals with RAD51D-related conditions. This variant is not present in population databases (ExAC no frequency). This sequence change replaces lysine with asparagine at codon 235 of the RAD51D protein (p.Lys235Asn). The lysine residue is moderately conserved and there is a moderate physicochemical difference between lysine and asparagine.